The following is an entry in ClinVar:

NM_000135.4(FANCA):c.367C>G (p.Gln123Glu)

Gene: FANCA (FA complementation group A; minus strand). Cytogenetic location: 16q24.3.
Variant type: single nucleotide variant.
Coding change: c.367C>G on transcript NM_000135.4 (MANE Select); coding-DNA position 367, C replaced by G.
Protein change: p.Gln123Glu; replaces glutamine 123 with glutamic acid.
Molecular consequence: missense variant.
Genome position (GRCh38, 1-based): chr16:89,810,988, G>C on the plus strand (C>G on the coding strand, the complement: FANCA is on the minus strand). VCF-style: chr16-89810988-G-C. GRCh37 (hg19) VCF-style: chr16-89877396-G-C.
Other names: c.367C>G (NM_000135.2); c.367C>G, p.Gln123Glu (NM_001018112.3, NM_001286167.3, NM_001351830.2); short protein forms Q123E.
Identifiers: ClinVar variation 1358367 (VCV001358367.6), dbSNP rs985886242, ClinGen allele CA397480964.
Genomic context (GRCh38, chr16:89,810,988, plus strand): 5'-CTCTCTGCTCCACAGTCAGCAGCACAGGGTGACTGGTCTCCGCTGGAGCCGTGCAGATCT[G>C]TCCCACGCTAGAGGCAACCATCCCGGCTGAGAGAATACCCACGGGAACCCCCAGCCTTGA-3'
Protein context (NP_000126.2, residues 113-133): SAGMVASSVG[Gln123Glu]ICTAPAETSH

ClinVar aggregate classification (germline): Uncertain significance. Review status: criteria provided, multiple submitters, no conflicts (2 of 4 stars). 2 submissions from 2 submitters: Uncertain significance (2). Last evaluated 2026-08-24.

Conditions:
Inborn genetic diseases. Identifiers: MedGen C0950123, MeSH D030342.
Fanconi anemia (FA). Also called: Fanconi's anemia. Identifiers: Orphanet 84, MedGen C0015625, MeSH D005199, MONDO:0019391.

Submissions (2):

Ambry Genetics
Classification: Uncertain significance for Inborn genetic diseases. Last evaluated: 2026-08-24. Review status: criteria provided, single submitter. Criteria: Ambry Variant Classification Scheme 2023. Collection method: clinical testing. Allele origin: germline.
Comment: The p.Q123E variant (also known as c.367C>G), located in coding exon 4 of the FANCA gene, results from a C to G substitution at nucleotide position 367. The glutamine at codon 123 is replaced by glutamic acid, an amino acid with highly similar properties. This amino acid position is conserved. In addition, this alteration is predicted to be tolerated by in silico analysis. Based on the available evidence, the clinical significance of this variant remains unclear.

Labcorp Genetics (formerly Invitae), Labcorp
Classification: Uncertain significance for Fanconi anemia. Last evaluated: 2024-02-14. Review status: criteria provided, single submitter. Criteria: Invitae Variant Classification Sherloc (09022015). Collection method: clinical testing. Allele origin: germline.
Comment: This sequence change replaces glutamine, which is neutral and polar, with glutamic acid, which is acidic and polar, at codon 123 of the FANCA protein (p.Gln123Glu). This variant is not present in population databases (gnomAD no frequency). This variant has not been reported in the literature in individuals affected with FANCA-related conditions. ClinVar contains an entry for this variant (Variation ID: 1358367). Advanced modeling of protein sequence and biophysical properties (such as structural, functional, and spatial information, amino acid conservation, physicochemical variation, residue mobility, and thermodynamic stability) performed at Invitae indicates that this missense variant is not expected to disrupt FANCA protein function with a negative predictive value of 80%. In summary, the available evidence is currently insufficient to determine the role of this variant in disease. Therefore, it has been classified as a Variant of Uncertain Significance.